The following is an entry in ClinVar:

ClinVar aggregate classification (germline): Uncertain significance (1 of 4 stars; one submission).

Submission:

Labcorp Genetics (formerly Invitae), Labcorp
Classification: Uncertain significance. Last evaluated: 2022-11-26. Review status: criteria provided, single submitter. Criteria: Invitae Variant Classification Sherloc (09022015). Collection method: clinical testing. Allele origin: germline.
Comment: This sequence change replaces arginine, which is basic and polar, with proline, which is neutral and non-polar, at codon 1858 of the POLE protein (p.Arg1858Pro). This variant is not present in population databases (gnomAD no frequency). This variant has not been reported in the literature in individuals affected with POLE-related conditions. Advanced modeling of protein sequence and biophysical properties (such as structural, functional, and spatial information, amino acid conservation, physicochemical variation, residue mobility, and thermodynamic stability) performed at Invitae indicates that this missense variant is expected to disrupt POLE protein function. In summary, the available evidence is currently insufficient to determine the role of this variant in disease. Therefore, it has been classified as a Variant of Uncertain Significance.

NM_006231.4(POLE):c.5573G>C (p.Arg1858Pro)

Gene: POLE (DNA polymerase epsilon, catalytic subunit; minus strand). Cytogenetic location: 12q24.33.
Variant type: single nucleotide variant.
Coding change: c.5573G>C on transcript NM_006231.4 (MANE Select); coding-DNA position 5573, G replaced by C.
Protein change: p.Arg1858Pro; replaces arginine 1858 with proline.
Molecular consequence: missense variant.
Genome position (GRCh38, 1-based): chr12:132,638,119, C>G on the plus strand (G>C on the coding strand, the complement: POLE is on the minus strand). VCF-style: chr12-132638119-C-G. GRCh37 (hg19) VCF-style: chr12-133214705-C-G.
Other names: short protein forms R1858P.
Identifiers: ClinVar variation 2816917 (VCV002816917.3), dbSNP rs1445288473, ClinGen allele CA387374177.